The following is an entry in ClinVar:

ClinVar aggregate classification (germline): Likely benign (1 of 4 stars; one submission).

Conditions:
TTN-related disorder. Also called: TTN-related disorders; TTN-related condition; TTN-related disease.

gnomAD v4.1: 1 of 1,606,470 alleles (0.000062%); highest among the groups gnomAD compares: Admixed American, 0.0017%; no homozygotes.

Submission:

PreventionGenetics, part of Exact Sciences
Classification: Likely benign for TTN-related condition. Last evaluated: 2026-06-25. Review status: criteria provided, single submitter. Criteria: ACMG Guidelines, 2015. Collection method: clinical testing. Allele origin: germline.
Comment: This variant is classified as likely benign based on ACMG/AMP sequence variant interpretation guidelines (Richards et al. 2015 PMID: 25741868, with internal and published modifications).

NM_001267550.2(TTN):c.36048C>G (p.Pro12016=)

Gene: TTN (titin; minus strand). Cytogenetic location: 2q31.2.
Variant type: single nucleotide variant.
Coding change: c.36048C>G on transcript NM_001267550.2 (MANE Select); coding-DNA position 36048, C replaced by G.
Protein change: p.Pro12016=; no amino-acid change (proline 12016 retained).
Molecular consequence: synonymous variant. On other transcripts: intron variant (5).
Genome position (GRCh38, 1-based): chr2:178,664,922, G>C on the plus strand (C>G on the coding strand, the complement: TTN is on the minus strand). VCF-style: chr2-178664922-G-C. GRCh37 (hg19) VCF-style: chr2-179529649-G-C.
Other names: c.13283-22605C>G (NM_003319.4); c.13859-22605C>G (NM_133437.4); c.13658-22605C>G (NM_133432.3); c.31484-1867C>G (NM_133378.4); c.34265-1867C>G (NM_001256850.1).
Identifiers: ClinVar variation 4993542 (VCV004993542.1).
Genomic context (GRCh38, chr2:178,664,922, plus strand): 5'-TGGGGGTTCTCTTTTTTTGGAAGGAACTGTCTTGGCAGGAATAATTTCTTGAGGAGCTTC[G>C]GGCGCTTGAAAGATATTAGCAATTCACATTTAAGAGTTAAAATGATTAATGGAAAACAGT-3'
Protein context (NP_001254479.2, residues 12006-12026): EEPETPRMKT[Pro12016=]EAPQEIIPAK